The following is an entry in ClinVar:

NM_001130438.3(SPTAN1):c.829T>G (p.Leu277Val)

Gene: SPTAN1 (spectrin alpha, non-erythrocytic 1; plus strand). Cytogenetic location: 9q34.11.
Variant type: single nucleotide variant.
Coding change: c.829T>G on transcript NM_001130438.3 (MANE Select); coding-DNA position 829, T replaced by G.
Protein change: p.Leu277Val; replaces leucine 277 with valine.
Molecular consequence: missense variant.
Genome position (GRCh38, 1-based): chr9:128,577,172, T>G. VCF-style: chr9-128577172-T-G. GRCh37 (hg19) VCF-style: chr9-131339451-T-G.
Other names: c.829T>G, p.Leu277Val (NM_001195532.2, NM_001363759.2, NM_001363765.2 and 5 more transcripts); c.865T>G, p.Leu289Val (NM_001375312.2, NM_001375318.1); short protein forms L289V, L277V.
Identifiers: ClinVar variation 1460555 (VCV001460555.9), dbSNP rs1851404419, ClinGen allele CA375048417.

ClinVar aggregate classification (germline): Uncertain significance (1 of 4 stars; one submission).

Conditions:
Early-infantile DEE. Also called: Early infantile epileptic encephalopathy with suppression bursts; Early infantile epileptic encephalopathy; Ohtahara syndrome. Identifiers: Orphanet 1934, MedGen C0393706, MONDO:0800491.

Allele frequency attached by ClinVar (database versions not stated): gnomAD exomes below 0.00001.
gnomAD v4.1: 1 of 1,614,158 alleles (0.000062%); highest among the groups gnomAD compares: Admixed American, 0.0017%; no homozygotes.

Submission:

Labcorp Genetics (formerly Invitae), Labcorp
Classification: Uncertain significance for Early-infantile DEE. Last evaluated: 2021-06-05. Review status: criteria provided, single submitter. Criteria: Invitae Variant Classification Sherloc (09022015). Collection method: clinical testing. Allele origin: germline.
Comment: This variant has not been reported in the literature in individuals with SPTAN1-related conditions. Algorithms developed to predict the effect of missense changes on protein structure and function (SIFT, PolyPhen-2, Align-GVGD) all suggest that this variant is likely to be tolerated, but these predictions have not been confirmed by published functional studies and their clinical significance is uncertain. Algorithms developed to predict the effect of sequence changes on RNA splicing suggest that this variant may create or strengthen a splice site, but this prediction has not been confirmed by published transcriptional studies. In summary, the available evidence is currently insufficient to determine the role of this variant in disease. Therefore, it has been classified as a Variant of Uncertain Significance. This variant is not present in population databases (ExAC no frequency). This sequence change replaces leucine with valine at codon 277 of the SPTAN1 protein (p.Leu277Val). The leucine residue is highly conserved and there is a small physicochemical difference between leucine and valine.